The following is an entry in ClinVar:

ClinVar aggregate classification (germline): Pathogenic/Likely pathogenic. Review status: criteria provided, multiple submitters, no conflicts (2 of 4 stars). 3 submissions from 3 submitters: Pathogenic (1); Likely pathogenic (2). Last evaluated 2025-10-08.

Conditions:
Charcot-Marie-Tooth disease type 2. Also called: Charcot-Marie-Tooth type 2. Identifiers: Orphanet 64746, MedGen C0270914, MONDO:0018993.
Charcot-Marie-Tooth disease type 2A2. Also called: CHARCOT-MARIE-TOOTH DISEASE, AXONAL, AUTOSOMAL DOMINANT, TYPE 2A2A; CHARCOT-MARIE-TOOTH DISEASE, AXONAL, TYPE 2A2; CHARCOT-MARIE-TOOTH DISEASE, NEURONAL, TYPE 2A2; Charcot-Marie-Tooth Neuropathy Type 2A2; HEREDITARY MOTOR AND SENSORY NEUROPATHY IIA2; HMSN IIA2. Identifiers: Orphanet 99947, MedGen C4721887, MONDO:0012231, OMIM 609260.

Submissions (3):

Labcorp Genetics (formerly Invitae), Labcorp
Classification: Pathogenic for Charcot-Marie-Tooth disease type 2. Last evaluated: 2025-10-08. Review status: criteria provided, single submitter. Criteria: Invitae Variant Classification Sherloc (09022015). Collection method: clinical testing. Allele origin: germline.
Comment: This sequence change replaces leucine, which is neutral and non-polar, with phenylalanine, which is neutral and non-polar, at codon 146 of the MFN2 protein (p.Leu146Phe). This variant is not present in population databases (gnomAD no frequency). This missense change has been observed in individual(s) with autosomal dominant MFN2-related neuropathy (PMID: 21987543, 27549087). It has also been observed to segregate with disease in related individuals. ClinVar contains an entry for this variant (Variation ID: 217163). Invitae Evidence Modeling of protein sequence and biophysical properties (such as structural, functional, and spatial information, amino acid conservation, physicochemical variation, residue mobility, and thermodynamic stability) indicates that this missense variant is expected to disrupt MFN2 protein function with a positive predictive value of 95%. For these reasons, this variant has been classified as Pathogenic.

GeneDx
Classification: Likely pathogenic. Last evaluated: 2017-01-31. Review status: criteria provided, single submitter. Criteria: GeneDx Variant Classification (06012015). Collection method: clinical testing. Allele origin: germline. Affected: yes.
Comment: The L146F variant has been previously reported to segregate with the phenotype in a large family with CMT2A2 (Klein et al., 2011). The age of onset and severity of the disease varied greatly among the affected relatives (Klein et al., 2011). It was not observed in approximately 6,500 individuals of European and African American ancestry in the NHLBI Exome Sequencing Project, indicating it is not a common benign variant in these populations. However, the L146F variant is a conservative amino acid substitution, which is not likely to impact secondary protein structure as these residues share similar properties. This substitution occurs at a position where amino acids with similar properties to Leucine are tolerated across species. In silico analysis is inconsistent in its predictions as to whether or not the variant is damaging to the protein structure/function. Therefore, this variant is likely pathogenic; however, the possibility that it is benign cannot be excluded.

Athena Diagnostics
Classification: Likely pathogenic for Charcot-Marie-Tooth disease, type 2A2. Last evaluated: 2015-08-07. Review status: criteria provided, single submitter. Criteria: Athena Diagnostics Criteria. Collection method: clinical testing. Allele origin: germline. Inheritance: Autosomal dominant inheritance.

Literature cited by the submitters: PubMed 21987543 (cited by Labcorp Genetics (formerly Invitae), Labcorp and Athena Diagnostics); PubMed 27549087 (cited by Labcorp Genetics (formerly Invitae), Labcorp).

NM_014874.4(MFN2):c.436C>T (p.Leu146Phe)

Gene: MFN2 (mitofusin 2; plus strand). Cytogenetic location: 1p36.22.
Variant type: single nucleotide variant.
Coding change: c.436C>T on transcript NM_014874.4 (MANE Select); coding-DNA position 436, C replaced by T.
Protein change: p.Leu146Phe; replaces leucine 146 with phenylalanine.
Molecular consequence: missense variant.
Genome position (GRCh38, 1-based): chr1:11,996,280, C>T. VCF-style: chr1-11996280-C-T. GRCh37 (hg19) VCF-style: chr1-12056337-C-T.
Other names: c.436C>T, p.Leu146Phe (NM_001127660.2); short protein forms L146F.
Identifiers: ClinVar variation 217163 (VCV000217163.10), dbSNP rs863224969, ClinGen allele CA279064.
Genomic context (GRCh38, chr1:11,996,280, plus strand): 5'-ATTGGCCACACCACCAATTGCTTCCTGCGGGTAGAGGGCACAGATGGCCATGAGGCCTTT[C>T]TCCTTACCGAGGGCTCAGAGGAAAAGAGGAGTGCCAAGGTGAGGGTGCCAGGCTGGCTGT-3'
Protein context (NP_055689.1, residues 136-156): VEGTDGHEAF[Leu146Phe]LTEGSEEKRS